The following is an entry in ClinVar:

NM_003120.3(SPI1):c.346C>T (p.Arg116Trp)

Gene: SPI1 (Spi-1 proto-oncogene; minus strand). Cytogenetic location: 11p11.2.
Variant type: single nucleotide variant.
Coding change: c.346C>T on transcript NM_003120.3 (MANE Select); coding-DNA position 346, C replaced by T.
Protein change: p.Arg116Trp; replaces arginine 116 with tryptophan.
Molecular consequence: missense variant.
Genome position (GRCh38, 1-based): chr11:47,358,991, G>A on the plus strand (C>T on the coding strand, the complement: SPI1 is on the minus strand). VCF-style: chr11-47358991-G-A. GRCh37 (hg19) VCF-style: chr11-47380542-G-A.
Other names: c.349C>T, p.Arg117Trp (NM_001080547.2); short protein forms R116W, R117W.
Identifiers: ClinVar variation 3341235 (VCV003341235.2).
Genomic context (GRCh38, chr11:47,358,991, plus strand): 5'-CCTCCTCCTCATCTGAGCTGGGCTGGGCTGGGGACAGGGATGGGTACTGGAGGCACATCC[G>A]GGGCAGGTAGGAGACCTGGACGGTGGGGGAAGGAGATCAGAGTCAGGAAGGGCCAGCTTA-3'
Protein context (NP_003111.2, residues 106-126): SLGHQVSYLP[Arg116Trp]MCLQYPSLSP

ClinVar aggregate classification (germline): Uncertain significance. Review status: criteria provided, single submitter (1 of 4 stars). 2 submissions from 2 submitters: Uncertain significance (1). 1 of the submissions does not count toward it. Last evaluated 2025-09-08.

Conditions:
Agammaglobulinemia. Identifiers: Orphanet 183669, MedGen C0001768, MeSH D000361, MONDO:0015977, HP:0004432.
Agammaglobulinemia 10, autosomal dominant (AGM10). Also called: AGAMMAGLOBULINEMIA, AUTOSOMAL DOMINANT, DUE TO SPI1 DEFECT. Identifiers: MedGen C5676900, MONDO:0030529, OMIM 619707.

gnomAD v4.1: 4 of 1,530,466 alleles (0.00026%); highest among the groups gnomAD compares: Admixed American, 0.0021%; no homozygotes.

Submissions (2):

3billion
Classification: Uncertain significance for Agammaglobulinemia 10, autosomal dominant. Last evaluated: 2025-09-08. Review status: criteria provided, single submitter. Criteria: ACMG Guidelines, 2015. Collection method: clinical testing. Allele origin: germline. Affected: yes.
Comment: The variant is observed at an extremely low frequency in the gnomAD v4.1.0 dataset (total allele frequency: <0.001%). Predicted Consequence/Location: Missense variant In silico tool predictions suggest no damaging effect of the variant on gene or gene product [REVEL: 0.18 (<0.4); 3Cnet: 0.00 (<0.1, specificity 0.84 and negative predicitive value 0.97)]. The same nucleotide change resulting in the same amino acid change has been previously reported to be associated with SPI1-related disorder (ClinVar ID: VCV003341235). However, the evidence of pathogenicity is insufficient at this time. Therefore, this variant is classified as VUS according to the recommendation of ACMG/AMP guideline.

Neil Romberg Laboratory, Children's Hospital of Philadelphia
Classification: Pathogenic for Agammaglobulinemia. Last evaluated: 2024-08-28. Review status: no assertion criteria provided. Collection method: research. Allele origin: germline. Not counted in ClinVar's aggregate classification.